The following is an entry in ClinVar:

NM_014915.3(ANKRD26):c.1616G>A (p.Ser539Asn)

Gene: ANKRD26 (ankyrin repeat domain containing 26; minus strand). Cytogenetic location: 10p12.1.
Variant type: single nucleotide variant.
Coding change: c.1616G>A on transcript NM_014915.3 (MANE Select); coding-DNA position 1616, G replaced by A.
Protein change: p.Ser539Asn; replaces serine 539 with asparagine.
Molecular consequence: missense variant.
Genome position (GRCh38, 1-based): chr10:27,053,339, C>T on the plus strand (G>A on the coding strand, the complement: ANKRD26 is on the minus strand). VCF-style: chr10-27053339-C-T. GRCh37 (hg19) VCF-style: chr10-27342268-C-T.
Other names: c.1616G>A, p.Ser539Asn (NM_001256053.2); short protein forms S539N.
Identifiers: ClinVar variation 3912608 (VCV003912608.1).

ClinVar aggregate classification (germline): Uncertain significance (1 of 4 stars; one submission).

Conditions:
Inborn genetic diseases. Identifiers: MedGen C0950123, MeSH D030342.

gnomAD v4.1: 7 of 1,609,928 alleles (0.00043%); highest among the groups gnomAD compares: Non-Finnish European, 0.00042%; no homozygotes.

Submission:

Ambry Genetics
Classification: Uncertain significance for Inborn genetic diseases. Last evaluated: 2025-05-10. Review status: criteria provided, single submitter. Criteria: Ambry Variant Classification Scheme 2023. Collection method: clinical testing. Allele origin: germline.
Comment: The p.S539N variant (also known as c.1616G>A), located in coding exon 16 of the ANKRD26 gene, results from a G to A substitution at nucleotide position 1616. The serine at codon 539 is replaced by asparagine, an amino acid with highly similar properties. This amino acid position is conserved. In addition, this alteration is predicted to be tolerated by in silico analysis. Based on the available evidence, the clinical significance of this variant remains unclear.